The following is an entry in ClinVar:

NM_004366.6(CLCN2):c.1483G>T (p.Val495Leu)

Gene: CLCN2 (chloride voltage-gated channel 2; minus strand). Cytogenetic location: 3q27.1.
Variant type: single nucleotide variant.
Coding change: c.1483G>T on transcript NM_004366.6 (MANE Select); coding-DNA position 1483, G replaced by T.
Protein change: p.Val495Leu; replaces valine 495 with leucine.
Molecular consequence: missense variant.
Genome position (GRCh38, 1-based): chr3:184,354,572, C>A on the plus strand (G>T on the coding strand, the complement: CLCN2 is on the minus strand). VCF-style: chr3-184354572-C-A. GRCh37 (hg19) VCF-style: chr3-184072360-C-A.
Other names: c.1432G>T, p.Val478Leu (NM_001171087.3); c.1351G>T, p.Val451Leu (NM_001171088.3); c.1483G>T, p.Val495Leu (NM_001171089.3); short protein forms V451L, V495L, V478L.
Identifiers: ClinVar variation 3145400 (VCV003145400.5), dbSNP rs1449056504, ClinGen allele CA355450354.

ClinVar aggregate classification (germline): Uncertain significance. Review status: criteria provided, multiple submitters, no conflicts (2 of 4 stars). 3 submissions from 3 submitters: Uncertain significance (3). Last evaluated 2026-04-27.

Conditions:
Leukoencephalopathy with mild cerebellar ataxia and white matter edema (LKPAT). Also called: Leukoencephalopathy with white matter edema; Brain white matter edema; CLCN2-Related Leukoencephalopathy; Leukoencephalopathy with ataxia. Identifiers: Orphanet 363540, MedGen C4554120, MONDO:0014292, OMIM 615651. Disease mechanism: loss of function.
Epilepsy, idiopathic generalized, susceptibility to, 11 (EIG11). Identifiers: Orphanet 307, MedGen C2750893, MONDO:0011875, OMIM 607628.
Familial hyperaldosteronism type II. Also called: FH II. Identifiers: Orphanet 404, MedGen C1854107, MONDO:0011576, OMIM 605635.
Inborn genetic diseases. Identifiers: MedGen C0950123, MeSH D030342.

gnomAD v4.1: 3 of 1,612,966 alleles (0.00019%); highest among the groups gnomAD compares: Admixed American, 0.0017%; no homozygotes.

Submissions (3):

Ambry Genetics
Classification: Uncertain significance for Inborn genetic diseases. Last evaluated: 2026-04-27. Review status: criteria provided, single submitter. Criteria: Ambry Variant Classification Scheme 2023. Collection method: clinical testing. Allele origin: germline.

Labcorp Genetics (formerly Invitae), Labcorp
Classification: Uncertain significance. Last evaluated: 2025-10-21. Review status: criteria provided, single submitter. Criteria: Invitae Variant Classification Sherloc (09022015). Collection method: clinical testing. Allele origin: germline.
Comment: This sequence change replaces valine, which is neutral and non-polar, with leucine, which is neutral and non-polar, at codon 495 of the CLCN2 protein (p.Val495Leu). This variant is not present in population databases (gnomAD no frequency). This variant has not been reported in the literature in individuals affected with CLCN2-related conditions. ClinVar contains an entry for this variant (Variation ID: 3145400). Invitae Evidence Modeling of protein sequence and biophysical properties (such as structural, functional, and spatial information, amino acid conservation, physicochemical variation, residue mobility, and thermodynamic stability) indicates that this missense variant is not expected to disrupt CLCN2 protein function with a negative predictive value of 95%. In summary, the available evidence is currently insufficient to determine the role of this variant in disease. Therefore, it has been classified as a Variant of Uncertain Significance.

Fulgent Genetics
Classification: Uncertain significance for Familial hyperaldosteronism type II; Epilepsy, idiopathic generalized, susceptibility to, 11; Leukoencephalopathy with mild cerebellar ataxia and white matter edema. Last evaluated: 2024-04-29. Review status: criteria provided, single submitter. Criteria: ACMG Guidelines, 2015. Collection method: clinical testing. Allele origin: germline.